The following is an entry in ClinVar:

ClinVar aggregate classification (germline): Uncertain significance. Review status: criteria provided, multiple submitters, no conflicts (2 of 4 stars). 2 submissions from 2 submitters: Uncertain significance (2). Last evaluated 2025-03-24.

Conditions:
Inborn genetic diseases. Identifiers: MedGen C0950123, MeSH D030342.

Allele frequency attached by ClinVar (database versions not stated): ExAC 0.00002; gnomAD 0.00003; TOPMed 0.00003; gnomAD exomes 0.00006.
gnomAD v4.1: 89 of 1,614,086 alleles (0.0055%); highest among the groups gnomAD compares: Non-Finnish European, 0.0072%; no homozygotes.

Submissions (2):

Labcorp Genetics (formerly Invitae), Labcorp
Classification: Uncertain significance. Last evaluated: 2025-03-24. Review status: criteria provided, single submitter. Criteria: Invitae Variant Classification Sherloc (09022015). Collection method: clinical testing. Allele origin: germline.
Comment: This sequence change replaces threonine, which is neutral and polar, with proline, which is neutral and non-polar, at codon 321 of the TECTA protein (p.Thr321Pro). This variant is present in population databases (rs748732272, gnomAD 0.004%). This variant has not been reported in the literature in individuals affected with TECTA-related conditions. ClinVar contains an entry for this variant (Variation ID: 2257547). Invitae Evidence Modeling of protein sequence and biophysical properties (such as structural, functional, and spatial information, amino acid conservation, physicochemical variation, residue mobility, and thermodynamic stability) indicates that this missense variant is not expected to disrupt TECTA protein function with a negative predictive value of 95%. In summary, the available evidence is currently insufficient to determine the role of this variant in disease. Therefore, it has been classified as a Variant of Uncertain Significance.

Ambry Genetics
Classification: Uncertain significance for Inborn genetic diseases. Last evaluated: 2021-10-27. Review status: criteria provided, single submitter. Criteria: Ambry Variant Classification Scheme 2023. Collection method: clinical testing. Allele origin: germline.

NM_005422.4(TECTA):c.961A>C (p.Thr321Pro)

Genes: TBCEL-TECTA (TBCEL-TECTA readthrough; plus strand), TECTA (tectorin alpha; plus strand). Cytogenetic location: 11q23.3.
Variant type: single nucleotide variant.
Coding change: c.961A>C on transcript NM_005422.4 (MANE Select); coding-DNA position 961, A replaced by C.
Protein change: p.Thr321Pro; replaces threonine 321 with proline.
Molecular consequence: missense variant.
Genome position (GRCh38, 1-based): chr11:121,118,476, A>C. VCF-style: chr11-121118476-A-C. GRCh37 (hg19) VCF-style: chr11-120989185-A-C.
Other names: c.1918A>C, p.Thr640Pro (NM_001378761.1); short protein forms T321P, T640P.
Identifiers: ClinVar variation 2257547 (VCV002257547.3), dbSNP rs748732272, ClinGen allele CA6326642.